The following is an entry in ClinVar:

NM_004431.5(EPHA2):c.1907C>T (p.Ser636Leu)

Gene: EPHA2 (EPH receptor A2; minus strand). Cytogenetic location: 1p36.13.
Variant type: single nucleotide variant.
Coding change: c.1907C>T on transcript NM_004431.5 (MANE Select); coding-DNA position 1907, C replaced by T.
Protein change: p.Ser636Leu; replaces serine 636 with leucine.
Molecular consequence: missense variant.
Genome position (GRCh38, 1-based): chr1:16,133,326, G>A on the plus strand (C>T on the coding strand, the complement: EPHA2 is on the minus strand). VCF-style: chr1-16133326-G-A. GRCh37 (hg19) VCF-style: chr1-16459821-G-A.
Other names: c.1745C>T, p.Ser582Leu (NM_001329090.2); short protein forms S636L, S582L.
Identifiers: ClinVar variation 432940 (VCV000432940.2), dbSNP rs376937559, ClinGen allele CA624999.

ClinVar aggregate classification (germline): Uncertain significance (1 of 4 stars; one submission).

Allele frequency attached by ClinVar (database versions not stated): gnomAD exomes 0.00003 and 0.00006; ExAC 0.00004; gnomAD 0.00005; TOPMed 0.00007; ESP Exome Variant Server 0.00008.
gnomAD v4.1: 57 of 1,613,654 alleles (0.0035%); highest among the groups gnomAD compares: East Asian, 0.016%; no homozygotes.

Submission:

GeneDx
Classification: Uncertain significance. Last evaluated: 2017-06-19. Review status: criteria provided, single submitter. Criteria: GeneDx Variant Classification (06012015). Collection method: clinical testing. Allele origin: germline. Affected: yes.
Comment: The S636L variant in the EPHA2 gene has not been reported previously as a pathogenic variant, nor as a benign variant, to our knowledge. The S636L variant is observed in 3/8654 (0.0346%) alleles from individuals of East Asian background in large population cohorts (Lek et al., 2016). The S636L variant is a non-conservative amino acid substitution, which is likely to impact secondary protein structure as these residues differ in polarity, charge, size and/or other properties. This substitution occurs within the protein kinase domain at a position that is conserved in mammals. However, in silico analysis is inconsistent in its predictions as to whether or not the variant is damaging to the protein structure/function. We interpret S636L as a variant of uncertain significance.